The following is an entry in ClinVar:

ClinVar aggregate classification (germline): Uncertain significance (1 of 4 stars; one submission).

Conditions:
Combined immunodeficiency due to STIM1 deficiency. Also called: IMMUNODEFICIENCY 10; STIM1 DEFICIENCY. Identifiers: Orphanet 169090, Orphanet 317430, MedGen C2748557, MONDO:0013008, OMIM 612783.
Myopathy with tubular aggregates (TAM). Also called: Tubular Aggregate Myopathy. Identifiers: Orphanet 2593, MedGen C0410207, MONDO:0008051.
Stormorken syndrome (STRMK). Also called: THROMBOCYTOPATHY, ASPLENIA, AND MIOSIS. Identifiers: Orphanet 3204, MedGen C1861451, MONDO:0008497, OMIM 185070.

gnomAD v4.1: 1 of 1,614,124 alleles (0.000062%); highest among the groups gnomAD compares: Non-Finnish European, 0.000085%; no homozygotes.

Submission:

Labcorp Genetics (formerly Invitae), Labcorp
Classification: Uncertain significance for Myopathy with tubular aggregates; Combined immunodeficiency due to STIM1 deficiency; Stormorken syndrome. Last evaluated: 2022-05-22. Review status: criteria provided, single submitter. Criteria: Invitae Variant Classification Sherloc (09022015). Collection method: clinical testing. Allele origin: germline.
Comment: In summary, the available evidence is currently insufficient to determine the role of this variant in disease. Therefore, it has been classified as a Variant of Uncertain Significance. Algorithms developed to predict the effect of missense changes on protein structure and function (SIFT, PolyPhen-2, Align-GVGD) all suggest that this variant is likely to be disruptive. This variant has not been reported in the literature in individuals affected with STIM1-related conditions. This variant is present in population databases (no rsID available, gnomAD 0.0009%). This sequence change replaces arginine, which is basic and polar, with glycine, which is neutral and non-polar, at codon 235 of the STIM1 protein (p.Arg235Gly).

NM_001382567.1(STIM1):c.703C>G (p.Arg235Gly)

Gene: STIM1 (stromal interaction molecule 1; plus strand). Cytogenetic location: 11p15.4.
Variant type: single nucleotide variant.
Coding change: c.703C>G on transcript NM_001382567.1 (MANE Select); coding-DNA position 703, C replaced by G.
Protein change: p.Arg235Gly; replaces arginine 235 with glycine.
Molecular consequence: missense variant. On other transcripts: non-coding transcript variant (2).
Genome position (GRCh38, 1-based): chr11:4,070,115, C>G. VCF-style: chr11-4070115-C-G. GRCh37 (hg19) VCF-style: chr11-4091345-C-G.
Other names: c.703C>G, p.Arg235Gly (NM_001277961.3, NM_001277962.2, NM_001382568.1 and 2 more transcripts); c.481C>G, p.Arg161Gly (NM_001382566.1, NM_001382573.1, NM_001382574.1 and 5 more transcripts); c.568C>G, p.Arg190Gly (NM_001382569.1); c.475C>G, p.Arg159Gly (NM_001382570.1); c.223C>G, p.Arg75Gly (NM_001382571.1); c.214C>G, p.Arg72Gly (NM_001382580.1, NM_001382581.1); short protein forms R161G, R190G, R235G, R72G, R159G, R75G.
Identifiers: ClinVar variation 1990987 (VCV001990987.4), dbSNP rs770272305, ClinGen allele CA379486148.
Genomic context (GRCh38, chr11:4,070,115, plus strand): 5'-ATGCTGGTGGTGTCTATCGTTATTGGTGTGGGCGGCTGCTGGTTTGCCTATATCCAGAAC[C>G]GTTACTCCAAGGAGCACATGAAGAAGATGATGAAGGACTTGGAGGGGTTACACCGAGCTG-3'
Protein context (NP_001369496.1, residues 225-245): GGCWFAYIQN[Arg235Gly]YSKEHMKKMM